The following is an entry in ClinVar:

NM_000038.6(APC):c.6547T>C (p.Ser2183Pro)

Gene: APC (APC regulator of Wnt signaling pathway; plus strand). Cytogenetic location: 5q22.2.
Variant type: single nucleotide variant.
Coding change: c.6547T>C on transcript NM_000038.6 (MANE Select); coding-DNA position 6547, T replaced by C.
Protein change: p.Ser2183Pro; replaces serine 2183 with proline.
Molecular consequence: missense variant.
Genome position (GRCh38, 1-based): chr5:112,842,141, T>C. VCF-style: chr5-112842141-T-C. GRCh37 (hg19) VCF-style: chr5-112177838-T-C.
Other names: c.6547T>C (NM_000038.5); c.6547T>C, p.Ser2183Pro (NM_001127510.3, NM_001354895.2); c.6493T>C, p.Ser2165Pro (NM_001127511.3); c.6601T>C, p.Ser2201Pro (NM_001354896.2); c.6577T>C, p.Ser2193Pro (NM_001354897.2); c.6472T>C, p.Ser2158Pro (NM_001354898.2); c.6463T>C, p.Ser2155Pro (NM_001354899.2); c.6424T>C, p.Ser2142Pro (NM_001354900.2); and 6 more; short protein forms S2057P, S2124P, S2158P, S2023P, S2082P, S2155P, S2183P, S2201P.
Identifiers: ClinVar variation 1510714 (VCV001510714.8), dbSNP rs764180204, ClinGen allele CA16035655.

ClinVar aggregate classification (germline): Uncertain significance. Review status: criteria provided, multiple submitters, no conflicts (2 of 4 stars). 3 submissions from 3 submitters: Uncertain significance (3). Last evaluated 2025-10-27.

Conditions:
Hereditary cancer-predisposing syndrome. Also called: Hereditary neoplastic syndrome; Neoplastic Syndromes, Hereditary; Tumor predisposition; Hereditary Cancer Syndrome. Identifiers: Orphanet 140162, MedGen C0027672, MeSH D009386, MONDO:0015356.
Familial adenomatous polyposis 1 (FAP1). Also called: FAMILIAL ADENOMATOUS POLYPOSIS 1, ATTENUATED; POLYPOSIS, ADENOMATOUS INTESTINAL. Identifiers: MedGen C2713442, MONDO:0021056, OMIM 175100. Disease mechanism: loss of function.

Submissions (3):

Labcorp Genetics (formerly Invitae), Labcorp
Classification: Uncertain significance for Familial adenomatous polyposis 1. Last evaluated: 2025-10-27. Review status: criteria provided, single submitter. Criteria: Invitae Variant Classification Sherloc (09022015). Collection method: clinical testing. Allele origin: germline.
Comment: This sequence change replaces serine, which is neutral and polar, with proline, which is neutral and non-polar, at codon 2183 of the APC protein (p.Ser2183Pro). This variant is not present in population databases (gnomAD no frequency). This variant has not been reported in the literature in individuals affected with APC-related conditions. ClinVar contains an entry for this variant (Variation ID: 1510714). Invitae Evidence Modeling of protein sequence and biophysical properties (such as structural, functional, and spatial information, amino acid conservation, physicochemical variation, residue mobility, and thermodynamic stability) indicates that this missense variant is not expected to disrupt APC protein function with a negative predictive value of 95%. In summary, the available evidence is currently insufficient to determine the role of this variant in disease. Therefore, it has been classified as a Variant of Uncertain Significance.

GeneDx
Classification: Uncertain significance. Last evaluated: 2024-08-27. Review status: criteria provided, single submitter. Criteria: GeneDx Variant Classification Process June 2021. Collection method: clinical testing. Allele origin: germline. Affected: yes.
Comment: Not observed at significant frequency in large population cohorts (gnomAD); In silico analysis indicates that this missense variant does not alter protein structure/function; Has not been previously published as pathogenic or benign to our knowledge

Ambry Genetics
Classification: Uncertain significance for Hereditary cancer-predisposing syndrome. Last evaluated: 2024-06-29. Review status: criteria provided, single submitter. Criteria: Ambry Variant Classification Scheme 2023. Collection method: clinical testing. Allele origin: germline.
Comment: The p.S2183P variant (also known as c.6547T>C), located in coding exon 15 of the APC gene, results from a T to C substitution at nucleotide position 6547. The serine at codon 2183 is replaced by proline, an amino acid with similar properties. This amino acid position is conserved. In addition, in silico predictors for this gene do not accurately predict pathogenicity. Based on the available evidence, the clinical significance of this variant remains unclear.